The following is an entry in ClinVar:

NM_007294.4(BRCA1):c.4603G>T (p.Glu1535Ter)

Gene: BRCA1 (BRCA1 DNA repair associated; minus strand). Cytogenetic location: 17q21.31.
Variant type: single nucleotide variant.
Coding change: c.4603G>T on transcript NM_007294.4 (MANE Select); coding-DNA position 4603, G replaced by T.
Protein change: p.Glu1535Ter; replaces glutamic acid 1535 with a stop codon.
Molecular consequence: nonsense. On other transcripts: non-coding transcript variant (1).
Genome position (GRCh38, 1-based): chr17:43,074,403, C>A on the plus strand (G>T on the coding strand, the complement: BRCA1 is on the minus strand). VCF-style: chr17-43074403-C-A. GRCh37 (hg19) VCF-style: chr17-41226420-C-A.
Other names: p.E1535*:GAG>TAG; p.Glu1535*; 4722G>T; c.1150G>T, p.Glu384Ter (NM_001408466.1, NM_001408467.1, NM_001408461.1 and 7 more transcripts); c.1147G>T, p.Glu383Ter (NM_001408468.1, NM_001408469.1, NM_001408470.1); c.1081G>T, p.Glu361Ter (NM_001408482.1, NM_001408483.1, NM_001408484.1 and 5 more transcripts); c.1078G>T, p.Glu360Ter (NM_001408492.1, NM_001408493.1); c.1054G>T, p.Glu352Ter (NM_001408494.1); and 71 more; short protein forms E1535*, E1488*, E1556*, E431*, E1366*, E1406*, E1422*, E1424*.
Identifiers: ClinVar variation 55236 (VCV000055236.29), dbSNP rs80357366, ClinGen allele CA002924.
Genomic context (GRCh38, chr17:43,074,403, plus strand): 5'-TTGGCAAGTAAGATGTTTCCGTCAAATCGTGTGGCCCAGACTCTTCCAGCTGTTGCTCCT[C>A]CACATCAACAACCTTAATGAGCTCCTCTTGAGATGGGTAGTTTCTATTCTGAAGACTCCC-3'

ClinVar aggregate classification (germline): Pathogenic. Review status: reviewed by expert panel (3 of 4 stars). 17 submissions from 16 submitters: Pathogenic (1). 16 of the submissions do not count toward it. Last evaluated 2016-09-08.

Conditions:
Familial cancer of breast. Also called: hereditary breast carcinoma; BREAST CANCER, FAMILIAL; Hereditary breast cancer. Identifiers: Orphanet 227535, MedGen C0346153, MONDO:0016419, OMIM 114480. Disease mechanism: loss of function.
Hereditary cancer-predisposing syndrome. Also called: Hereditary Cancer Syndrome; Hereditary neoplastic syndrome; Neoplastic Syndromes, Hereditary; Tumor predisposition. Identifiers: Orphanet 140162, MedGen C0027672, MeSH D009386, MONDO:0015356.
Hereditary breast ovarian cancer syndrome. Also called: BRCA1- and BRCA2-Associated Hereditary Breast and Ovarian Cancer; Hereditary breast and ovarian cancer syndrome; Hereditary breast and ovarian cancer syndrome (HBOC); Breast and ovarian cancer; Hereditary breast and/or ovarian cancer syndrome; Hereditary breast and ovarian cancer. Identifiers: Orphanet 145, MedGen C0677776, MeSH D061325, MONDO:0003582. Disease mechanism: loss of function.
Breast-ovarian cancer, familial, susceptibility to, 1 (BROVCA1). Also called: BRCA1 Hereditary Breast and Ovarian Cancer; OVARIAN CANCER, SUSCEPTIBILITY TO. Identifiers: Orphanet 145, MedGen C2676676, MONDO:0011450, OMIM 604370. Disease mechanism: loss of function.

Allele frequency attached by ClinVar (database versions not stated): gnomAD 0.00001; TOPMed 0.00002.
gnomAD v4.1: 2 of 1,614,034 alleles (0.00012%); highest among the groups gnomAD compares: African/African-American, 0.0027%; no homozygotes.

Submissions 1 to 9 of 17:

Evidence-based Network for the Interpretation of Germline Mutant Alleles (ENIGMA)
Classification: Pathogenic for Breast-ovarian cancer, familial, susceptibility to, 1. Last evaluated: 2016-09-08. Review status: reviewed by expert panel. Criteria: ENIGMA BRCA1/2 Classification Criteria (2015). Collection method: curation. Allele origin: germline.
Comment: Variant allele predicted to encode a truncated non-functional protein.

Labcorp Genetics (formerly Invitae), Labcorp
Classification: Pathogenic for Hereditary breast ovarian cancer syndrome. Last evaluated: 2026-01-30. Review status: criteria provided, single submitter. Criteria: Invitae Variant Classification Sherloc (09022015). Collection method: clinical testing. Allele origin: germline. Not counted in ClinVar's aggregate classification.
Comment: This sequence change creates a premature translational stop signal (p.Glu1535*) in the BRCA1 gene. It is expected to result in an absent or disrupted protein product. Loss-of-function variants in BRCA1 are known to be pathogenic (PMID: 20104584). This variant is not present in population databases (gnomAD no frequency). This premature translational stop signal has been observed in individual(s) with breast, ovarian, and uterine cancer (PMID: 11606101, 22811390, 26183948, 28503720). ClinVar contains an entry for this variant (Variation ID: 55236). RNA analysis performed to evaluate the impact of this premature translational stop signal on mRNA splicing indicates it does not significantly alter splicing (internal data). For these reasons, this variant has been classified as Pathogenic.

Women's Health and Genetics/Laboratory Corporation of America, LabCorp
Classification: Pathogenic for Hereditary breast ovarian cancer syndrome. Last evaluated: 2025-12-22. Review status: criteria provided, single submitter. Criteria: LabCorp Variant Classification Summary - May 2015. Collection method: clinical testing. Allele origin: germline. Not counted in ClinVar's aggregate classification.
Comment: Variant summary: BRCA1 c.4603G>T (p.Glu1535X) results in a premature termination codon, predicted to cause a truncation of the encoded protein or absence of the protein due to nonsense mediated decay, which are commonly known mechanisms for disease. The variant was absent in 251360 control chromosomes. c.4603G>T has been observed in multiple individuals affected with Hereditary Breast And Ovarian Cancer Syndrome (Schorge_2001, Pennington_2012, Rummel_2013, Ozcelik_2003, Lara_2012, Dodova_2015). These data indicate that the variant is very likely to be associated with disease. To our knowledge, no experimental evidence demonstrating an impact on protein function has been reported. The following publications have been ascertained in the context of this evaluation (PMID: 23192404, 23096355, 12920083, 22811390, 11606101, 26183948). ClinVar contains an entry for this variant (Variation ID: 55236). Based on the evidence outlined above, the variant was classified as pathogenic.

Ambry Genetics
Classification: Pathogenic for Hereditary cancer-predisposing syndrome. Last evaluated: 2025-07-03. Review status: criteria provided, single submitter. Criteria: Ambry Variant Classification Scheme 2023. Collection method: clinical testing. Allele origin: germline. Not counted in ClinVar's aggregate classification.
Comment: The p.E1535* pathogenic mutation (also known as c.4603G>T), located in coding exon 13 of the BRCA1 gene, results from a G to T substitution at nucleotide position 4603. This changes the amino acid from a glutamic acid to a stop codon within coding exon 13. This mutation has been reported in several individuals with breast and/or ovarian cancer and one patient with breast and serous mixed endometrioid cancers (Schorge JO et al. Gynecol. Oncol. 2001 Nov;83:383-7; Pennington KP et al. Cancer. 2013 Jan;119:332-8; Rummel S et al. Breast Cancer Res. Treat. 2013 Jan;137:119-25; Dodova RI et al. BMC Cancer. 2015 Jul;15:523; Rummel SK et al. Breast Cancer Res. Treat. 2017 Aug;164:593-601; Rebbeck TR et al. Hum. Mutat. 2018 May;39:593-620; Barrington DA et al. Gynecol. Oncol. 2018 05;149:337-340). This variant is considered to be rare based on population cohorts in the Genome Aggregation Database (gnomAD). In addition to the clinical data presented in the literature, this alteration is expected to result in loss of function by premature protein truncation or nonsense-mediated mRNA decay. As such, this alteration is interpreted as a disease-causing mutation.

Color Diagnostics, LLC DBA Color Health
Classification: Pathogenic for Hereditary cancer-predisposing syndrome. Last evaluated: 2024-02-13. Review status: criteria provided, single submitter. Criteria: ACMG Guidelines, 2015. Collection method: clinical testing. Allele origin: germline. Not counted in ClinVar's aggregate classification.
Comment: This variant changes 1 nucleotide in exon 14 of the BRCA1 gene, creating a premature translation stop signal. This variant is expected to result in an absent or non-functional protein product. This variant has been reported in individuals affected with early-onset and/or familial breast cancer (PMID: 11606101, 22811390, 23096355, 26183948, 28503720). This variant has not been identified in the general population by the Genome Aggregation Database (gnomAD). Loss of BRCA1 function is a known mechanism of disease. Based on the available evidence, this variant is classified as Pathogenic.

All of Us Research Program, National Institutes of Health
Classification: Pathogenic for Breast-ovarian cancer, familial, susceptibility to, 1. Last evaluated: 2023-12-11. Review status: criteria provided, single submitter. Criteria: ACMG Guidelines, 2015. Collection method: clinical testing. Allele origin: germline. Inheritance: Autosomal dominant inheritance. Observed: 1 variant allele, 1 heterozygote. Not counted in ClinVar's aggregate classification.
Comment: This variant changes 1 nucleotide in exon 14 of the BRCA1 gene, creating a premature translation stop signal. This variant is expected to result in an absent or non-functional protein product. To our knowledge, functional studies have not been reported for this variant. This variant has been reported in individuals affected with early-onset and/or familial breast cancer (PMID: 11606101, 22811390, 23096355, 26183948, 28503720). This variant has not been identified in the general population by the Genome Aggregation Database (gnomAD). Loss of BRCA1 function is a known mechanism of disease. Based on the available evidence, this variant is classified as Pathogenic.

This study involves interpretation of variants in research participants for the purpose of population health screening. Participant phenotype was not available at the time of variant classification. Additional details can be found in publication PMID: 35346344, PMCID: PMC8962531

GeneDx
Classification: Pathogenic. Last evaluated: 2023-10-29. Review status: criteria provided, single submitter. Criteria: GeneDx Variant Classification Process June 2021. Collection method: clinical testing. Allele origin: germline. Affected: yes. Not counted in ClinVar's aggregate classification.
Comment: Nonsense variant predicted to result in protein truncation or nonsense mediated decay in a gene for which loss of function is a known mechanism of disease; Truncating variants in this gene are considered pathogenic by a well-established clinical consortium and/or database; Not observed at significant frequency in large population cohorts (gnomAD); Also known as 4722G>T; This variant is associated with the following publications: (PMID: 23096355, 29486991, 25525159, 11606101, 26183948, 28503720, 28049106, 22811390, 28127413, 29446198, 31209999, 31447099, 20104584, 23192404, 31892343, 12920083, 35837282, 36974724)

Mayo Clinic Laboratories, Mayo Clinic
Classification: Pathogenic. Last evaluated: 2023-09-05. Review status: criteria provided, single submitter. Criteria: ACMG Guidelines, 2015. Collection method: clinical testing. Allele origin: germline. Not counted in ClinVar's aggregate classification.
Comment: PP5, PM2_moderate, PVS1

Greenwood Genetic Center Diagnostic Laboratories, Greenwood Genetic Center
Classification: Pathogenic for Breast-ovarian cancer, familial, susceptibility to, 1. Last evaluated: 2023-04-05. Review status: criteria provided, single submitter. Criteria: ACMG Guidelines, 2015. Collection method: clinical testing. Allele origin: germline. Not counted in ClinVar's aggregate classification.
Comment: PVS1, PS4, PM2